The following is an entry in ClinVar:

ClinVar aggregate classification (germline): Uncertain significance. Review status: criteria provided, multiple submitters, no conflicts (2 of 4 stars). 2 submissions from 2 submitters: Uncertain significance (2). Last evaluated 2025-08-04.

Conditions:
Inborn genetic diseases. Identifiers: MedGen C0950123, MeSH D030342.
Baller-Gerold syndrome (BGS). Also called: CRANIOSYNOSTOSIS WITH RADIAL DEFECTS. Identifiers: Orphanet 1225, MedGen C0265308, MONDO:0009039, OMIM 218600.

Allele frequency attached by ClinVar (database versions not stated): TOPMed below 0.00001; ExAC 0.00001; gnomAD 0.00001.

Submissions (2):

Ambry Genetics
Classification: Uncertain significance for Inborn genetic diseases. Last evaluated: 2025-08-04. Review status: criteria provided, single submitter. Criteria: Ambry Variant Classification Scheme 2023. Collection method: clinical testing. Allele origin: germline.
Comment: The p.P581T variant (also known as c.1741C>A), located in coding exon 11 of the RECQL4 gene, results from a C to A substitution at nucleotide position 1741. The proline at codon 581 is replaced by threonine, an amino acid with highly similar properties. This amino acid position is conserved. In addition, this alteration is predicted to be deleterious by in silico analysis. Based on the available evidence, the clinical significance of this variant remains unclear.

Labcorp Genetics (formerly Invitae), Labcorp
Classification: Uncertain significance for Baller-Gerold syndrome. Last evaluated: 2024-11-18. Review status: criteria provided, single submitter. Criteria: Invitae Variant Classification Sherloc (09022015). Collection method: clinical testing. Allele origin: germline.
Comment: This sequence change replaces proline, which is neutral and non-polar, with threonine, which is neutral and polar, at codon 581 of the RECQL4 protein (p.Pro581Thr). This variant is present in population databases (rs776147492, gnomAD 0.0009%). This variant has not been reported in the literature in individuals affected with RECQL4-related conditions. ClinVar contains an entry for this variant (Variation ID: 406999). Invitae Evidence Modeling of protein sequence and biophysical properties (such as structural, functional, and spatial information, amino acid conservation, physicochemical variation, residue mobility, and thermodynamic stability) indicates that this missense variant is expected to disrupt RECQL4 protein function with a positive predictive value of 80%. In summary, the available evidence is currently insufficient to determine the role of this variant in disease. Therefore, it has been classified as a Variant of Uncertain Significance.

NM_004260.4(RECQL4):c.1741C>A (p.Pro581Thr)

Gene: RECQL4 (RecQ like helicase 4; minus strand). Cytogenetic location: 8q24.3.
Variant type: single nucleotide variant.
Coding change: c.1741C>A on transcript NM_004260.4 (MANE Select); coding-DNA position 1741, C replaced by A.
Protein change: p.Pro581Thr; replaces proline 581 with threonine.
Molecular consequence: missense variant.
Genome position (GRCh38, 1-based): chr8:144,514,326, G>T on the plus strand (C>A on the coding strand, the complement: RECQL4 is on the minus strand). VCF-style: chr8-144514326-G-T. GRCh37 (hg19) VCF-style: chr8-145739710-G-T.
Other names: short protein forms P581T.
Identifiers: ClinVar variation 406999 (VCV000406999.9), dbSNP rs776147492, ClinGen allele CA4948674.